The following is an entry in ClinVar:

NM_001232.4(CASQ2):c.338G>A (p.Ser113Asn)

Gene: CASQ2 (calsequestrin 2; minus strand). Cytogenetic location: 1p13.1.
Variant type: single nucleotide variant.
Coding change: c.338G>A on transcript NM_001232.4 (MANE Select); coding-DNA position 338, G replaced by A.
Protein change: p.Ser113Asn; replaces serine 113 with asparagine.
Molecular consequence: missense variant.
Genome position (GRCh38, 1-based): chr1:115,740,810, C>T on the plus strand (G>A on the coding strand, the complement: CASQ2 is on the minus strand). VCF-style: chr1-115740810-C-T. GRCh37 (hg19) VCF-style: chr1-116283431-C-T.
Other names: p.S113N:AGC>AAC; short protein forms S113N.
Identifiers: ClinVar variation 162820 (VCV000162820.21), dbSNP rs199750975, ClinGen allele CA175375.

ClinVar aggregate classification (germline): Uncertain significance. Review status: criteria provided, multiple submitters, no conflicts (2 of 4 stars). 9 submissions from 9 submitters: Uncertain significance (9). Last evaluated 2025-11-24.

Conditions:
Cardiovascular phenotype. Identifiers: MedGen CN230736.
Catecholaminergic polymorphic ventricular tachycardia 2. Also called: CASQ2-Related Catecholaminergic Polymorphic Ventricular Tachycardia; VENTRICULAR TACHYCARDIA, STRESS-INDUCED POLYMORPHIC 2. Identifiers: Orphanet 3286, MedGen C2677794, MONDO:0012762, OMIM 611938.
Catecholaminergic polymorphic ventricular tachycardia 1. Also called: RYR2-Related Catecholaminergic Polymorphic Ventricular Tachycardia; VENTRICULAR TACHYCARDIA, STRESS-INDUCED POLYMORPHIC 1; VENTRICULAR TACHYCARDIA, CATECHOLAMINERGIC POLYMORPHIC, 1, WITH OR WITHOUT ATRIAL DYSFUNCTION AND/OR DILATED CARDIOMYOPATHY. Identifiers: Orphanet 3286, MedGen C1631597, MONDO:0011484, OMIM 604772.

Allele frequency attached by ClinVar (database versions not stated): ExAC 0.00004; gnomAD exomes 0.00004 and 0.00008; ESP Exome Variant Server 0.00008; gnomAD 0.00012 and 0.00014; TOPMed 0.00020.

Submissions (9):

Ambry Genetics
Classification: Uncertain significance for Cardiovascular phenotype. Last evaluated: 2025-11-24. Review status: criteria provided, single submitter. Criteria: Ambry Variant Classification Scheme 2023. Collection method: clinical testing. Allele origin: germline.

Labcorp Genetics (formerly Invitae), Labcorp
Classification: Uncertain significance for Catecholaminergic polymorphic ventricular tachycardia 1. Last evaluated: 2025-01-21. Review status: criteria provided, single submitter. Criteria: Invitae Variant Classification Sherloc (09022015). Collection method: clinical testing. Allele origin: germline.
Comment: This sequence change replaces serine, which is neutral and polar, with asparagine, which is neutral and polar, at codon 113 of the CASQ2 protein (p.Ser113Asn). This variant is present in population databases (rs199750975, gnomAD 0.02%). This variant has not been reported in the literature in individuals affected with CASQ2-related conditions. ClinVar contains an entry for this variant (Variation ID: 162820). Invitae Evidence Modeling of protein sequence and biophysical properties (such as structural, functional, and spatial information, amino acid conservation, physicochemical variation, residue mobility, and thermodynamic stability) indicates that this missense variant is not expected to disrupt CASQ2 protein function with a negative predictive value of 80%. In summary, the available evidence is currently insufficient to determine the role of this variant in disease. Therefore, it has been classified as a Variant of Uncertain Significance.

Genome-Nilou Lab
Classification: Uncertain significance for Catecholaminergic polymorphic ventricular tachycardia 2. Last evaluated: 2023-04-11. Review status: criteria provided, single submitter. Criteria: ACMG Guidelines, 2015. Collection method: clinical testing. Allele origin: germline. Affected: no.

Fulgent Genetics
Classification: Uncertain significance for Catecholaminergic polymorphic ventricular tachycardia 1; Catecholaminergic polymorphic ventricular tachycardia 2. Last evaluated: 2021-11-01. Review status: criteria provided, single submitter. Criteria: ACMG Guidelines, 2015. Collection method: clinical testing. Allele origin: unknown.

Women's Health and Genetics/Laboratory Corporation of America, LabCorp
Classification: Uncertain significance. Last evaluated: 2017-10-23. Review status: criteria provided, single submitter. Criteria: LabCorp Variant Classification Summary - May 2015. Collection method: clinical testing. Allele origin: germline.
Comment: Variant summary: The CASQ2 c.338G>A (p.Ser113Asn) variant involves the alteration of a conserved nucleotide and 3/4 in silico tools predict a damaging outcome for this variant (SNPsandGO not captured due to low reliability index). Although the variant is located outsed of any know domain or repeat, the impact of this change on the protein have yet to be functionally assessed. This variant was found in 12/276958 control chromosomes at a frequency of 0.0000433, which does not exceed the estimated maximal expected allele frequency of a pathogenic CASQ2 variant (0.0044721). In addition, multiple clinical diagnostic laboratories/reputable databases classified this variant as uncertain significance. The variant of interest has not, to our knowledge, been reported in affected individuals via publications. Because of the absence of clinical information and the lack of functional studies, the variant is classified as a "Variant of Uncertain Significance (VUS)", until additional information becomes available.

MVZ Martinsried, Medicover Genetics
Classification: Uncertain significance for Catecholaminergic polymorphic ventricular tachycardia 2. Last evaluated: 2016-12-29. Review status: criteria provided, single submitter. Criteria: ACMG Guidelines, 2015. Collection method: clinical testing. Allele origin: unknown. Affected: yes.

GeneDx
Classification: Uncertain significance. Last evaluated: 2015-02-05. Review status: criteria provided, single submitter. Criteria: GeneDx Variant Classification (06012015). Collection method: clinical testing. Allele origin: germline. Affected: yes.
Comment: p.Ser113Asn (AGC>AAC): c.338 G>A in exon 3 of the CASQ2 gene (NM_001232.3). The S113N variant has not been published as a mutation, nor has it been reported as a benign polymorphism to our knowledge. The S113N variant was not observed with any significant frequency in approximately 6,500 individuals of European and African American ancestry in the NHLBI Exome Sequencing Project, indicating it is not a common benign variant in these populations. Additionally, this substitution occurs at a position that is conserved among mammals and in silico analysis predicts this variant is probably damaging to the protein structure/function. However, the S113N variant is a conservative amino acid substitution, which is not likely to impact secondary protein structure as these residues share similar properties. Furthermore, missense mutations in nearby residues have not been reported, indicating this region of the protein may be tolerant of change. Therefore, based on the currently available information, it is unclear whether this variant is a pathogenic mutation or a rare benign variant. The variant is found in ARRHYTHMIA panel(s).

Laboratory for Molecular Medicine, Mass General Brigham Personalized Medicine
Classification: Uncertain significance. Last evaluated: 2014-12-31. Review status: criteria provided, single submitter. Criteria: LMM Criteria. Collection method: clinical testing. Allele origin: germline. Observed: 2 variant alleles.
Comment: The p.Ser113Asn variant in CASQ2 has not been reported in any other families wit h cardiomyopathy, but has been identified in 3/10514 African chromosomes and 2/6 6974 European chromosomes by the Exome Aggregation Consortium (ExAC .; dbSNP rs199750975). Computational prediction tools and cons ervation analysis do not provide strong support for or against an impact to the protein. In summary, the clinical significance of the p.Ser113Asn variant is unc ertain.

Biesecker Lab/Clinical Genomics Section, National Institutes of Health
Classification: Uncertain significance. Last evaluated: 2013-06-24. Review status: criteria provided, single submitter. Criteria: Ng et al. (Circ Cardiovasc Genet. 2013). Collection method: research. Allele origin: unknown. Observed: 1 variant allele. Study: ClinSeq.
Comment: The study set was not selected for affection status in relation to any cancer. Pathogenicity categories were based on literature curation. See Pubmed ID:23861362 for details.

Medical sequencing

Literature cited by the submitters: PubMed 23861362 (cited by Women's Health and Genetics/Laboratory Corporation of America, LabCorp).